The following is an entry in ClinVar:

NM_002336.3(LRP6):c.3178C>T (p.Arg1060Ter)

Gene: LRP6 (LDL receptor related protein 6; minus strand). Cytogenetic location: 12p13.2.
Variant type: single nucleotide variant.
Coding change: c.3178C>T on transcript NM_002336.3 (MANE Select); coding-DNA position 3178, C replaced by T.
Protein change: p.Arg1060Ter; replaces arginine 1060 with a stop codon.
Molecular consequence: nonsense.
Genome position (GRCh38, 1-based): chr12:12,148,970, G>A on the plus strand (C>T on the coding strand, the complement: LRP6 is on the minus strand). VCF-style: chr12-12148970-G-A. GRCh37 (hg19) VCF-style: chr12-12301904-G-A.
Other names: short protein forms R1060*.
Identifiers: ClinVar variation 392323 (VCV000392323.2), dbSNP rs765274952, ClinGen allele CA16606384.

ClinVar aggregate classification (germline): Pathogenic (1 of 4 stars; one submission).

Submission:

GeneDx
Classification: Pathogenic. Last evaluated: 2017-11-16. Review status: criteria provided, single submitter. Criteria: GeneDx Variant Classification (06012015). Collection method: clinical testing. Allele origin: germline. Affected: yes.
Comment: The R1060X variant in the LRP6 gene has not been reported previously as a pathogenic variant nor as a benign variant, to our knowledge. This variant is predicted to cause loss of normal protein function either through protein truncation or nonsense-mediated mRNA decay. The R1060X variant was not observed in approximately 6500 individuals of European and African American ancestry in the NHLBI Exome Sequencing Project, indicating it is not a common benign variant in these populations. We interpret R1060X as a pathogenic variant.